The following is an entry in ClinVar:

NM_000059.4(BRCA2):c.8611G>T (p.Glu2871Ter)

Gene: BRCA2 (BRCA2 DNA repair associated; plus strand). Cytogenetic location: 13q13.1.
Variant type: single nucleotide variant.
Coding change: c.8611G>T on transcript NM_000059.4 (MANE Select); coding-DNA position 8611, G replaced by T.
Protein change: p.Glu2871Ter; replaces glutamic acid 2871 with a stop codon.
Molecular consequence: nonsense.
Genome position (GRCh38, 1-based): chr13:32,371,079, G>T. VCF-style: chr13-32371079-G-T. GRCh37 (hg19) VCF-style: chr13-32945216-G-T.
Other names: short protein forms E2871*.
Identifiers: ClinVar variation 917633 (VCV000917633.1), dbSNP rs587782860, ClinGen allele CA387752927.
Genomic context (GRCh38, chr13:32,371,079, plus strand): 5'-GCAGCAAAATATGTGGAGGCCCAACAAAAGAGACTAGAAGCCTTATTCACTAAAATTCAG[G>T]AGGAATTTGAAGAACATGAAGGTAAAATTAGTTATATGGTACACATTGTTATTTCTAATA-3'

ClinVar aggregate classification (germline): Likely pathogenic (1 of 4 stars; one submission).

Conditions:
Hereditary breast ovarian cancer syndrome. Also called: Hereditary breast and ovarian cancer; Hereditary breast and ovarian cancer syndrome (HBOC); Breast and ovarian cancer; Hereditary breast and ovarian cancer syndrome; BRCA1- and BRCA2-Associated Hereditary Breast and Ovarian Cancer; Hereditary breast and/or ovarian cancer syndrome. Identifiers: Orphanet 145, MedGen C0677776, MeSH D061325, MONDO:0003582. Disease mechanism: loss of function.

Submission:

Women's Health and Genetics/Laboratory Corporation of America, LabCorp
Classification: Likely pathogenic for Hereditary breast and ovarian cancer syndrome. Last evaluated: 2020-01-30. Review status: criteria provided, single submitter. Criteria: LabCorp Variant Classification Summary - May 2015. Collection method: clinical testing. Allele origin: germline.
Comment: Variant summary: BRCA2 c.8611G>T (p.Glu2871X) results in a premature termination codon, predicted to cause a truncation of the encoded protein or absence of the protein due to nonsense mediated decay, which are commonly known mechanisms for disease. Truncations downstream of this position have been classified as pathogenic by our laboratory. The variant was absent in 250950 control chromosomes (gnomAD). c.8611G>T has been reported in the literature in individuals affected with Hereditary Breast and Ovarian Cancer (e.g. Ebrahimi_2019). These data indicate that the variant may be associated with disease. To our knowledge, no experimental evidence demonstrating an impact on protein function has been reported. No clinical diagnostic laboratories have submitted clinical-significance assessments for this variant to ClinVar after 2014. Based on the evidence outlined above, the variant was classified as likely pathogenic.